The following is an entry in ClinVar:

NM_030665.4(RAI1):c.2401G>A (p.Glu801Lys)

Gene: RAI1 (retinoic acid induced 1; plus strand). Cytogenetic location: 17p11.2.
Variant type: single nucleotide variant.
Coding change: c.2401G>A on transcript NM_030665.4 (MANE Select); coding-DNA position 2401, G replaced by A.
Protein change: p.Glu801Lys; replaces glutamic acid 801 with lysine.
Molecular consequence: missense variant.
Genome position (GRCh38, 1-based): chr17:17,795,349, G>A. VCF-style: chr17-17795349-G-A. GRCh37 (hg19) VCF-style: chr17-17698663-G-A.
Other names: short protein forms E801K.
Identifiers: ClinVar variation 4799276 (VCV004799276.1).
Genomic context (GRCh38, chr17:17,795,349, plus strand): 5'-AAAGGGGACACCCATGAGGCTTCGGCCTGCCTGGGCTTCCAGGAGGAGGACCCCCCTGGG[G>A]AGAAGGTGGCCTCGTTGCCCGGGGACTTCAAGCAGGAGGAGGTGGGTGGGGTGAAGGAGG-3'
Protein context (NP_109590.3, residues 791-811): LGFQEEDPPG[Glu801Lys]KVASLPGDFK

ClinVar aggregate classification (germline): Uncertain significance (1 of 4 stars; one submission).

Submission:

Labcorp Genetics (formerly Invitae), Labcorp
Classification: Uncertain significance. Last evaluated: 2025-11-25. Review status: criteria provided, single submitter. Criteria: Invitae Variant Classification Sherloc (09022015). Collection method: clinical testing. Allele origin: germline.
Comment: This sequence change replaces glutamic acid, which is acidic and polar, with lysine, which is basic and polar, at codon 801 of the RAI1 protein (p.Glu801Lys). This variant is not present in population databases (gnomAD no frequency). This variant has not been reported in the literature in individuals affected with RAI1-related conditions. Invitae Evidence Modeling of protein sequence and biophysical properties (such as structural, functional, and spatial information, amino acid conservation, physicochemical variation, residue mobility, and thermodynamic stability) indicates that this missense variant is not expected to disrupt RAI1 protein function with a negative predictive value of 80%. In summary, the available evidence is currently insufficient to determine the role of this variant in disease. Therefore, it has been classified as a Variant of Uncertain Significance.